The following is an entry in ClinVar:

NC_000022.10:g.(?_18562620)_(18562800_?)dup

Gene: PEX26 (peroxisomal biogenesis factor 26; plus strand). Cytogenetic location: 22q11.21.
Variant type: Duplication.
Identifiers: ClinVar variation 1422890 (VCV001422890.4).

ClinVar aggregate classification (germline): Uncertain significance (1 of 4 stars; one submission).

Conditions:
Peroxisome biogenesis disorder 7B (PBD7B). Identifiers: Orphanet 44, MedGen C3553951, MONDO:0013939, OMIM 614873.
Peroxisome biogenesis disorder 7A (Zellweger). Also called: Peroxisome biogenesis disorder 7A. Identifiers: Orphanet 912, MedGen C3888385, MONDO:0013938, OMIM 614872.

Submission:

Labcorp Genetics (formerly Invitae), Labcorp
Classification: Uncertain significance for Peroxisome biogenesis disorder 7A (Zellweger); Peroxisome biogenesis disorder 7B. Last evaluated: 2022-07-05. Review status: criteria provided, single submitter. Criteria: Invitae Variant Classification Sherloc (09022015). Collection method: clinical testing. Allele origin: germline.
Comment: This variant results in a copy number gain of the genomic region encompassing exon(s) 3 of the PEX26 gene. While the exact position of this variant cannot be determined from the data, sub-genic copy number gains are generally in tandem (PMID: 25640679). This variant is predicted to be in-frame, and likely preserves the integrity of the reading frame. This variant has not been reported in the literature in individuals affected with PEX26-related conditions. Experimental studies and prediction algorithms are not available or were not evaluated, and the functional significance of this variant is currently unknown. In summary, the available evidence is currently insufficient to determine the role of this variant in disease. Therefore, it has been classified as a Variant of Uncertain Significance.

Literature cited by the submitters: PubMed 25640679.